The following is an entry in ClinVar:

ClinVar aggregate classification (germline): Likely benign (1 of 4 stars; one submission).

Allele frequency attached by ClinVar (database versions not stated): gnomAD exomes 0.00002; gnomAD 0.00003 and 0.00004; TOPMed 0.00005.
gnomAD v4.1: 19 of 1,536,290 alleles (0.0012%); highest among the groups gnomAD compares: Non-Finnish European, 0.0015%; no homozygotes.

Submission:

GeneDx
Classification: Likely benign. Last evaluated: 2016-10-20. Review status: criteria provided, single submitter. Criteria: GeneDx Variant Classification (06012015). Collection method: clinical testing. Allele origin: germline. Affected: yes.
Comment: This variant is considered likely benign or benign based on one or more of the following criteria: it is a conservative change, it occurs at a poorly conserved position in the protein, it is predicted to be benign by multiple in silico algorithms, and/or has population frequency not consistent with disease.

NM_024740.2(ALG9):c.-11C>T

Genes: ALG9 (ALG9 alpha-1,2-mannosyltransferase; minus strand), LOC130006752 (ATAC-STARR-seq lymphoblastoid silent region 3902; plus strand). Cytogenetic location: 11q23.1.
Variant type: single nucleotide variant.
Coding change: c.-11C>T on transcript NM_024740.2 (MANE Select); 11 bases upstream of the start codon, C replaced by T.
Molecular consequence: 5 prime UTR variant.
Genome position (GRCh38, 1-based): chr11:111,871,493, G>A on the plus strand (C>T on the coding strand, the complement: ALG9 is on the minus strand). VCF-style: chr11-111871493-G-A. GRCh37 (hg19) VCF-style: chr11-111742217-G-A.
Other names: c.-11C>T (NM_001077690.1, NM_001352417.1, NM_001352418.1); c.-385C>T (NM_001352409.1); c.-528C>T (NM_001352410.1, NM_001352413.1).
Identifiers: ClinVar variation 389995 (VCV000389995.1), dbSNP rs1057523610, ClinGen allele CA645509541.